The following is an entry in ClinVar:

ClinVar aggregate classification (germline): Uncertain significance (1 of 4 stars; one submission).

Allele frequency attached by ClinVar (database versions not stated): gnomAD exomes below 0.00001; ExAC 0.00001.
gnomAD v4.1: 3 of 1,614,150 alleles (0.00019%); highest among the groups gnomAD compares: South Asian, 0.0022%; no homozygotes.

Submission:

Labcorp Genetics (formerly Invitae), Labcorp
Classification: Uncertain significance. Last evaluated: 2022-07-12. Review status: criteria provided, single submitter. Criteria: Invitae Variant Classification Sherloc (09022015). Collection method: clinical testing. Allele origin: germline.
Comment: This sequence change replaces arginine, which is basic and polar, with cysteine, which is neutral and slightly polar, at codon 450 of the DSCAML1 protein (p.Arg450Cys). This variant is present in population databases (rs745452401, gnomAD 0.003%). This variant has not been reported in the literature in individuals affected with DSCAML1-related conditions. ClinVar contains an entry for this variant (Variation ID: 1438256). Algorithms developed to predict the effect of missense changes on protein structure and function are either unavailable or do not agree on the potential impact of this missense change (SIFT: "Deleterious"; PolyPhen-2: "Probably Damaging"; Align-GVGD: "Class C0"). In summary, the available evidence is currently insufficient to determine the role of this variant in disease. Therefore, it has been classified as a Variant of Uncertain Significance.

NM_020693.4(DSCAML1):c.1168C>T (p.Arg390Cys)

Gene: DSCAML1 (DS cell adhesion molecule like 1; minus strand). Cytogenetic location: 11q23.3.
Variant type: single nucleotide variant.
Coding change: c.1168C>T on transcript NM_020693.4 (MANE Select); coding-DNA position 1168, C replaced by T.
Protein change: p.Arg390Cys; replaces arginine 390 with cysteine.
Molecular consequence: missense variant.
Genome position (GRCh38, 1-based): chr11:117,521,175, G>A on the plus strand (C>T on the coding strand, the complement: DSCAML1 is on the minus strand). VCF-style: chr11-117521175-G-A. GRCh37 (hg19) VCF-style: chr11-117391890-G-A.
Other names: c.1168C>T, p.Arg390Cys (NM_001367904.1); c.760C>T, p.Arg254Cys (NM_001367905.1); short protein forms R254C, R390C.
Identifiers: ClinVar variation 1438256 (VCV001438256.6), dbSNP rs745452401, ClinGen allele CA6297353.